The following is an entry in ClinVar:

ClinVar aggregate classification (germline): Conflicting classifications of pathogenicity. Review status: criteria provided, conflicting classifications (1 of 4 stars). 3 submissions from 3 submitters: Uncertain significance (2); Benign (1). Last evaluated 2025-10-09.

Conditions:
Smith-Magenis syndrome (SMS). Also called: CHROMOSOME 17p11.2 DELETION SYNDROME. Identifiers: Orphanet 819, MedGen C0795864, MONDO:0008434, OMIM 182290.
RAI1-related disorder. Also called: RAI1-related condition.

Allele frequency attached by ClinVar (database versions not stated): ExAC 0.00001; gnomAD exomes 0.00001.
gnomAD v4.1: 5 of 1,614,030 alleles (0.00031%); highest among the groups gnomAD compares: Admixed American, 0.0017%; no homozygotes.

Submissions (3):

PreventionGenetics, part of Exact Sciences
Classification: Uncertain significance for RAI1-related condition. Last evaluated: 2025-10-09. Review status: criteria provided, single submitter. Criteria: ACMG Guidelines, 2015. Collection method: clinical testing. Allele origin: germline.
Comment: The RAI1 c.2050C>T variant is predicted to result in the amino acid substitution p.Pro684Ser. To our knowledge, this variant has not been reported in the literature. This variant is reported in 0.0029% of alleles in individuals of Latino descent in gnomAD. At this time, the clinical significance of this variant is uncertain due to the absence of conclusive functional and genetic evidence.

Revvity Omics, Revvity
Classification: Uncertain significance for Smith-Magenis syndrome. Last evaluated: 2024-12-24. Review status: criteria provided, single submitter. Criteria: ACMG Guidelines, 2015. Collection method: clinical testing. Allele origin: germline.

Labcorp Genetics (formerly Invitae), Labcorp
Classification: Benign. Last evaluated: 2022-06-04. Review status: criteria provided, single submitter. Criteria: Invitae Variant Classification Sherloc (09022015). Collection method: clinical testing. Allele origin: germline.

NM_030665.4(RAI1):c.2050C>T (p.Pro684Ser)

Gene: RAI1 (retinoic acid induced 1; plus strand). Cytogenetic location: 17p11.2.
Variant type: single nucleotide variant.
Coding change: c.2050C>T on transcript NM_030665.4 (MANE Select); coding-DNA position 2050, C replaced by T.
Protein change: p.Pro684Ser; replaces proline 684 with serine.
Molecular consequence: missense variant.
Genome position (GRCh38, 1-based): chr17:17,794,998, C>T. VCF-style: chr17-17794998-C-T. GRCh37 (hg19) VCF-style: chr17-17698312-C-T.
Other names: c.2050C>T (NM_030665.3); short protein forms P684S.
Identifiers: ClinVar variation 1969953 (VCV001969953.7), dbSNP rs779347895, ClinGen allele CA8418451.
Genomic context (GRCh38, chr17:17,794,998, plus strand): 5'-CCGGAGGCCCTGCCCGACTCCTTGCAGCTGGACAAGGGCGGCAATGCCAAGGACTTCAGC[C>T]CAGGGCTGTTTGAAGACCCTTCCGTGGCCTTCGCTACGCCTGACCCCAAAAAGACAACTG-3'
Protein context (NP_109590.3, residues 674-694): DKGGNAKDFS[Pro684Ser]GLFEDPSVAF